The following is an entry in ClinVar:

NM_006766.5(KAT6A):c.2222G>C (p.Ser741Thr)

Gene: KAT6A (lysine acetyltransferase 6A; minus strand). Cytogenetic location: 8p11.21.
Variant type: single nucleotide variant.
Coding change: c.2222G>C on transcript NM_006766.5 (MANE Select); coding-DNA position 2222, G replaced by C.
Protein change: p.Ser741Thr; replaces serine 741 with threonine.
Molecular consequence: missense variant.
Genome position (GRCh38, 1-based): chr8:41,943,754, C>G on the plus strand (G>C on the coding strand, the complement: KAT6A is on the minus strand). VCF-style: chr8-41943754-C-G. GRCh37 (hg19) VCF-style: chr8-41801272-C-G.
Other names: c.2222G>C, p.Ser741Thr (NM_001305878.2); short protein forms S741T.
Identifiers: ClinVar variation 4996495 (VCV004996495.1).

ClinVar aggregate classification (germline): Uncertain significance (1 of 4 stars; one submission).

Conditions:
KAT6A-related disorder. Also called: KAT6A-related condition.

Submission:

PreventionGenetics, part of Exact Sciences
Classification: Uncertain significance for KAT6A-related condition. Last evaluated: 2026-06-29. Review status: criteria provided, single submitter. Criteria: ACMG Guidelines, 2015. Collection method: clinical testing. Allele origin: germline.
Comment: The KAT6A c.2222G>C variant is predicted to result in the amino acid substitution p.Ser741Thr. To our knowledge, this variant has not been reported in the literature or in a large population database (gnomAD), indicating this variant is rare. At this time, the clinical significance of this variant is uncertain due to the absence of conclusive functional and genetic evidence.